The following continues an entry in ClinVar:

NM_001042492.3(NF1):c.2970_2972del (p.Met992del)

Gene: NF1. ClinVar aggregate classification (germline): Pathogenic/Likely pathogenic. Pathogenic (29); Likely pathogenic (2).

Submissions 8 to 28 of 35:

Department of Human Genetics, Hannover Medical School
Classification: Likely pathogenic for Neurofibromatosis, type 1. Last evaluated: 2025-01-21. Review status: criteria provided, single submitter. Criteria: ACMG Guidelines, 2015. Collection method: clinical testing. Allele origin: germline. Inheritance: Autosomal dominant inheritance. Affected: yes.
Comment: ACMG: PS3_Supporting, PM4, PP1_Strong

Molecular Pathology, Peter Maccallum Cancer Centre
Classification: Pathogenic for Neurofibromatosis, type 1. Last evaluated: 2024-12-30. Review status: criteria provided, single submitter. Criteria: ACMG Guidelines, 2015. Collection method: clinical testing. Allele origin: germline. Inheritance: Autosomal dominant inheritance.

Blueprint Genetics
Classification: Pathogenic for NF1-related disorders. Last evaluated: 2024-10-04. Review status: criteria provided, single submitter. Criteria: ACMG Guidelines, 2015. Collection method: clinical testing. Allele origin: germline. Affected: yes. Observed: 5 variant alleles.

3billion
Classification: Pathogenic for Neurofibromatosis, type 1. Last evaluated: 2024-09-24. Review status: criteria provided, single submitter. Criteria: ACMG Guidelines, 2015. Collection method: clinical testing. Allele origin: germline. Affected: yes.
Comment: The variant is observed at an extremely low frequency in the gnomAD v4.0.0 dataset (total allele frequency: <0.001%). Predicted Consequence/Location: Inframe deletion located in a nonrepeat region: predicted to change the length of the protein and disrupt normal protein function. Damaging effect on gene or gene product predicted by in silico programs is uncertain [3Cnet: 0.99 (damaging >=0.6, benign <0.15)]. The variant has been previously reported as de novo in a similarly affected individual (PMID: 30190611). The variant has been observed in multiple (>3) similarly affected unrelated individuals (PMID: 23656349, 30190611, 30308447). The variant has been reported at least twice as pathogenic with clinical assertions and evidence for the classification (ClinVar ID: VCV000000363 /PMID: 7904209 /3billion dataset). Therefore, this variant is classified as Pathogenic according to the recommendation of ACMG/AMP guideline.

Athena Diagnostics
Classification: Pathogenic. Last evaluated: 2024-06-27. Review status: criteria provided, single submitter. Criteria: Athena Diagnostics Criteria. Collection method: clinical testing. Allele origin: unknown.
Comment: The frequency of this variant in the general population is consistent with pathogenicity. This variant has been identified in multiple unrelated individuals with clinical features associated with this gene. Many individuals with this variant are reported to present with a milder phenotype (PMID: 17160901, 20602485, 30190611, 34897289). This variant appears to segregate with disease in at least one family.

Revvity Omics, Revvity
Classification: Pathogenic. Last evaluated: 2024-06-13. Review status: criteria provided, single submitter. Criteria: ACMG Guidelines, 2015. Collection method: clinical testing. Allele origin: germline.

Baylor Genetics
Classification: Pathogenic for Neurofibromatosis, type 1. Last evaluated: 2024-02-26. Review status: criteria provided, single submitter. Criteria: ACMG Guidelines, 2015. Collection method: clinical testing. Allele origin: unknown.

ARUP Laboratories, Molecular Genetics and Genomics, ARUP Laboratories
Classification: Pathogenic. Last evaluated: 2024-01-29. Review status: criteria provided, single submitter. Criteria: ARUP Molecular Germline Variant Investigation Process 2024. Collection method: clinical testing. Allele origin: germline.
Comment: The NF1 c.2970_2972del; p.Met992del variant (rs267606606) is reported in the literature in several unrelated individuals and families affected with a milder form of neurofibromatosis type 1 (NF1), characterized by a lack of neurofibromas (Kehrer-Sawatzki 2015, Koczkowska 2019, Quintans 2011, Upadhyaya 2007). This variant is also reported in ClinVar (Variation ID: 363). This variant is only observed on one allele in the Genome Aggregation Database (v2.1.1), indicating it is not a common polymorphism. This variant deletes a single methionine residue leaving the rest of the protein in-frame. Based on available information, this variant is considered to be pathogenic. References: Kehrer-Sawatzki H et al. Neurofibromatosis Type 1 Without Neurofibromas: Genotype-Phenotype Correlations in NF1. Hum Mutat. 2015 Nov;36(11):v. PMID: 26457592. Koczkowska M et al. Expanding the clinical phenotype of individuals with a 3-bp in-frame deletion of the NF1 gene (c.2970_2972del): an update of genotype-phenotype correlation. Genet Med. 2019 Apr;21(4):867-876. PMID: 30190611. Quintans B et al. Neurofibromatosis without Neurofibromas: Confirmation of a Genotype-Phenotype Correlation and Implications for Genetic Testing. Case Rep Neurol. 2011 Apr 11;3(1):86-90. PMID: 21532985. Upadhyaya M et al. An absence of cutaneous neurofibromas associated with a 3-bp inframe deletion in exon 17 of the NF1 gene (c.2970-2972 delAAT): evidence of a clinically significant NF1 genotype-phenotype correlation. Am J Hum Genet. 2007 Jan;80(1):140-51. PMID: 17160901.

Greenwood Genetic Center Diagnostic Laboratories, Greenwood Genetic Center
Classification: Pathogenic for Neurofibromatosis, type 1. Last evaluated: 2023-05-08. Review status: criteria provided, single submitter. Criteria: ACMG Guidelines, 2015. Collection method: clinical testing. Allele origin: germline. Affected: yes.
Comment: PS4, PM2, PM4, PM6_Strong, PP1_Strong

Mayo Clinic Laboratories, Mayo Clinic
Classification: Pathogenic. Last evaluated: 2022-11-23. Review status: criteria provided, single submitter. Criteria: ACMG Guidelines, 2015. Collection method: clinical testing. Allele origin: germline. Observed: 5 variant alleles.
Comment: PP1_strong, PM2, PM6, PS4_moderate

Institute of Medical Genetics, University of Zurich
Classification: Likely pathogenic for Neurofibromatosis, type 1. Last evaluated: 2022-05-10. Review status: criteria provided, single submitter. Criteria: ACMG Guidelines, 2015. Collection method: clinical testing. Allele origin: unknown. Affected: yes.

Genome-Nilou Lab
Classification: Pathogenic for Neurofibromatosis, type 1. Last evaluated: 2022-03-15. Review status: criteria provided, single submitter. Criteria: ACMG Guidelines, 2015. Collection method: clinical testing. Allele origin: germline. Affected: no.

GeneDx
Classification: Pathogenic. Last evaluated: 2022-01-05. Review status: criteria provided, single submitter. Criteria: GeneDx Variant Classification Process June 2021. Collection method: clinical testing. Allele origin: germline. Affected: yes.
Comment: In-frame deletion of 1 amino acid in a non-repeat region; In silico analysis supports a deleterious effect on protein structure/function; This variant is associated with the following publications: (PMID: 26740943, 26056819, 25329635, 26345759, 12807981, 25074460, 26962827, 27920686, 28213670, 27785414, 27322453, 10712197, 10862084, 7904209, 14569132, 16380919, 16542390, 20602485, 23047742, 26457592, 25966637, 16944272, 18546366, 23656349, 25370043, 23972508, 17160901, 26178382, 24232412, 26979265, 26956402, 27838393, 30190611, 30109123, 1568246, 29968256, 31717729, 31776437, 21532985, 31370276, 32107864, 25486365, 2121369)

MGZ Medical Genetics Center
Classification: Pathogenic for Neurofibromatosis, type 1. Last evaluated: 2021-11-09. Review status: criteria provided, single submitter. Criteria: ACMG Guidelines, 2015. Collection method: clinical testing. Allele origin: germline. Affected: yes. Observed: 1 variant allele.
Comment: ACMG criteria applied: PS4, PM1, PM4, PM6, PM2_SUP, PP1, PP4

Fulgent Genetics
Classification: Pathogenic for Neurofibromatosis, type 1; Neurofibromatosis, familial spinal; Café-au-lait macules with pulmonary stenosis; Neurofibromatosis-Noonan syndrome; Juvenile myelomonocytic leukemia. Last evaluated: 2021-09-28. Review status: criteria provided, single submitter. Criteria: ACMG Guidelines, 2015. Collection method: clinical testing. Allele origin: unknown.

Baylor Genetics
Classification: Pathogenic for Juvenile myelomonocytic leukemia. Last evaluated: 2021-09-26. Review status: criteria provided, single submitter. Criteria: ACMG Guidelines, 2015. Collection method: clinical testing. Allele origin: unknown.

Institute of Medical Genetics and Applied Genomics, University Hospital Tübingen
Classification: Pathogenic. Last evaluated: 2020-10-23. Review status: criteria provided, single submitter. Criteria: ACMG Guidelines, 2015. Collection method: clinical testing. Allele origin: germline. Inheritance: Autosomal dominant inheritance. Affected: yes.

Women's Health and Genetics/Laboratory Corporation of America, LabCorp
Classification: Pathogenic for Neurofibromatosis, type 1. Last evaluated: 2020-02-24. Review status: criteria provided, single submitter. Criteria: LabCorp Variant Classification Summary - May 2015. Collection method: clinical testing. Allele origin: germline.
Comment: Variant summary: NF1 c.2970_2972delAAT (p.Met992del) results in an in-frame deletion that is predicted to remove one amino acid from the encoded protein. The variant allele was found at a frequency of 4e-06 in 250346 control chromosomes. c.2970_2972delAAT has been reported in the literature in a large number of individuals affected with NF1 Related Conditions (e.g. Stevenson_2006, Tsipi_2018, Koczkowska_2019). These data indicate that the variant is very likely to be associated with disease. A study on 135 individuals carrying this variant showed that these individuals have a mild NF1 phenotype lacking clinically suspected plexiform, cutaneous, or subcutaneous neurofibromas (Koczkowska_2019). Six clinical diagnostic laboratories have submitted clinical-significance assessments for this variant to ClinVar after 2014 without evidence for independent evaluation. All laboratories classified the variant as pathogenic. Based on the evidence outlined above, the variant was classified as pathogenic.

Medical Genetics, University of Parma
Classification: Pathogenic for Neurofibromatosis, type 1. Last evaluated: 2019-12-20. Review status: criteria provided, single submitter. Criteria: ACMG Guidelines, 2015. Collection method: clinical testing. Allele origin: germline. Affected: yes.

Laboratory of Molecular Genetics (Pr. Bezieau's lab), CHU de Nantes
Classification: Pathogenic. Last evaluated: 2018-01-16. Review status: criteria provided, single submitter. Criteria: ACMG Guidelines, 2015. Collection method: clinical testing. Allele origin: germline. Affected: yes.

CeGaT Center for Human Genetics Tuebingen
Classification: Pathogenic. Last evaluated: 2017-10-01. Review status: criteria provided, single submitter. Criteria: CeGaT Center For Human Genetics Tuebingen Variant Classification Criteria Version 2. Collection method: clinical testing. Allele origin: germline. Affected: yes. Observed: 1 variant allele.